The following is an entry in ClinVar:

ClinVar aggregate classification (germline): Uncertain significance (1 of 4 stars; one submission).

Submission:

Women's Health and Genetics/Laboratory Corporation of America, LabCorp
Classification: Uncertain significance. Last evaluated: 2024-05-16. Review status: criteria provided, single submitter. Criteria: LabCorp Variant Classification Summary - May 2015. Collection method: clinical testing. Allele origin: germline.
Comment: Variant summary: AMPD1 c.133G>T (p.Glu45X) results in a premature termination codon, predicted to cause absence of the protein due to nonsense mediated decay, however the molecular mechanism of disease attributed to AMPD1 is gain-of-function. The variant was absent in 251462 control chromosomes (gnomAD). The available data on variant occurrences in the general population are insufficient to allow any conclusion about variant significance. To our knowledge, no occurrence of c.133G>T in individuals affected with Muscle AMP Deaminase Deficiency and no experimental evidence demonstrating its impact on protein function have been reported. No submitters have cited clinical-significance assessments for this variant to ClinVar. Based on the evidence outlined above, the variant was classified as uncertain significance.

NM_000036.3(AMPD1):c.133G>T (p.Glu45Ter)

Gene: AMPD1 (adenosine monophosphate deaminase 1; minus strand). Cytogenetic location: 1p13.2.
Variant type: single nucleotide variant.
Coding change: c.133G>T on transcript NM_000036.3 (MANE Select); coding-DNA position 133, G replaced by T.
Protein change: p.Glu45Ter; replaces glutamic acid 45 with a stop codon.
Molecular consequence: nonsense.
Genome position (GRCh38, 1-based): chr1:114,688,643, C>A on the plus strand (G>T on the coding strand, the complement: AMPD1 is on the minus strand). VCF-style: chr1-114688643-C-A. GRCh37 (hg19) VCF-style: chr1-115231264-C-A.
Other names: c.121G>T, p.Glu41Ter (NM_001172626.2); short protein forms E41*, E45*.
Identifiers: ClinVar variation 3336535 (VCV003336535.1).